The following is an entry in ClinVar:

NM_014874.4(MFN2):c.614T>C (p.Val205Ala)

Gene: MFN2 (mitofusin 2; plus strand). Cytogenetic location: 1p36.22.
Variant type: single nucleotide variant.
Coding change: c.614T>C on transcript NM_014874.4 (MANE Select); coding-DNA position 614, T replaced by C.
Protein change: p.Val205Ala; replaces valine 205 with alanine.
Molecular consequence: missense variant.
Genome position (GRCh38, 1-based): chr1:11,998,784, T>C. VCF-style: chr1-11998784-T-C. GRCh37 (hg19) VCF-style: chr1-12058841-T-C.
Other names: c.614T>C, p.Val205Ala (NM_001127660.2); short protein forms V205A.
Identifiers: ClinVar variation 940656 (VCV000940656.9), dbSNP rs1639042915, ClinGen allele CA338437754.

ClinVar aggregate classification (germline): Uncertain significance (1 of 4 stars; one submission).

Conditions:
Charcot-Marie-Tooth disease type 2. Also called: Charcot-Marie-Tooth type 2. Identifiers: Orphanet 64746, MedGen C0270914, MONDO:0018993.

Submission:

Labcorp Genetics (formerly Invitae), Labcorp
Classification: Uncertain significance for Charcot-Marie-Tooth disease type 2. Last evaluated: 2022-09-27. Review status: criteria provided, single submitter. Criteria: Invitae Variant Classification Sherloc (09022015). Collection method: clinical testing. Allele origin: germline.
Comment: In summary, the available evidence is currently insufficient to determine the role of this variant in disease. Therefore, it has been classified as a Variant of Uncertain Significance. Algorithms developed to predict the effect of sequence changes on RNA splicing suggest that this variant may disrupt the consensus splice site. Advanced modeling of protein sequence and biophysical properties (such as structural, functional, and spatial information, amino acid conservation, physicochemical variation, residue mobility, and thermodynamic stability) performed at Invitae indicates that this missense variant is expected to disrupt MFN2 protein function. ClinVar contains an entry for this variant (Variation ID: 940656). This missense change has been observed in individual(s) with Charcot-Marie-Tooth disease (PMID: 26382835). This variant is not present in population databases (gnomAD no frequency). This sequence change replaces valine, which is neutral and non-polar, with alanine, which is neutral and non-polar, at codon 205 of the MFN2 protein (p.Val205Ala).

Literature cited by the submitters: PubMed 26382835.